The following is an entry in ClinVar:

ClinVar aggregate classification (germline): Uncertain significance (1 of 4 stars; one submission).

Conditions:
Familial adenomatous polyposis 1 (FAP1). Also called: FAMILIAL ADENOMATOUS POLYPOSIS 1, ATTENUATED; POLYPOSIS, ADENOMATOUS INTESTINAL. Identifiers: MedGen C2713442, MONDO:0021056, OMIM 175100. Disease mechanism: loss of function.

gnomAD v4.1: 4 of 1,347,824 alleles (0.0003%); highest among the groups gnomAD compares: South Asian, 0.0025%; no homozygotes.

Submission:

Labcorp Genetics (formerly Invitae), Labcorp
Classification: Uncertain significance for Familial adenomatous polyposis 1. Last evaluated: 2025-01-28. Review status: criteria provided, single submitter. Criteria: Invitae Variant Classification Sherloc (09022015). Collection method: clinical testing. Allele origin: germline.
Comment: This variant occurs in a non-coding region of the APC gene. It does not change the encoded amino acid sequence of the APC protein. This variant is not present in population databases (gnomAD no frequency). This variant has not been reported in the literature in individuals affected with APC-related conditions. Experimental studies and prediction algorithms are not available or were not evaluated, and the functional significance of this variant is currently unknown. In summary, the available evidence is currently insufficient to determine the role of this variant in disease. Therefore, it has been classified as a Variant of Uncertain Significance.

NM_001127511.3(APC):c.-81A>T

Gene: APC (APC regulator of Wnt signaling pathway; plus strand). Cytogenetic location: 5q22.2.
Variant type: single nucleotide variant.
Coding change: c.-81A>T on transcript NM_001127511.3; 81 bases upstream of the start codon, A replaced by T.
Molecular consequence: 5 prime UTR variant. On other transcripts: non-coding transcript variant (2).
Genome position (GRCh38, 1-based): chr5:112,707,637, A>T. VCF-style: chr5-112707637-A-T. GRCh37 (hg19) VCF-style: chr5-112043334-A-T.
Other names: c.-81A>T (NM_001354902.2, NM_001407446.1, NM_001354897.2); c.-264A>T (NM_001407447.1, NM_001407452.1, NM_001407456.1 and 3 more transcripts); c.-31A>T (NM_001407448.1, NM_001407450.1, NM_001407457.1 and 1 more transcripts); c.-55A>T (NM_001407453.1); c.-1299A>T (NM_001407470.1, NM_001407472.1).
Identifiers: ClinVar variation 2120131 (VCV002120131.4), dbSNP rs1395227226, ClinGen allele CA1573442575.